The following is an entry in ClinVar:

NM_002471.4(MYH6):c.1553T>C (p.Leu518Pro)

Gene: MYH6 (myosin heavy chain 6; minus strand). Cytogenetic location: 14q11.2.
Variant type: single nucleotide variant.
Coding change: c.1553T>C on transcript NM_002471.4 (MANE Select); coding-DNA position 1553, T replaced by C.
Protein change: p.Leu518Pro; replaces leucine 518 with proline.
Molecular consequence: missense variant.
Genome position (GRCh38, 1-based): chr14:23,400,284, A>G on the plus strand (T>C on the coding strand, the complement: MYH6 is on the minus strand). VCF-style: chr14-23400284-A-G. GRCh37 (hg19) VCF-style: chr14-23869493-A-G.
Other names: short protein forms L518P.
Identifiers: ClinVar variation 4614623 (VCV004614623.1).

ClinVar aggregate classification (germline): Uncertain significance (1 of 4 stars; one submission).

Conditions:
Cardiovascular phenotype. Identifiers: MedGen CN230736.

gnomAD v4.1: 13 of 1,614,260 alleles (0.00081%); highest among the groups gnomAD compares: Non-Finnish European, 0.00093%; no homozygotes.

Submission:

Ambry Genetics
Classification: Uncertain significance for Cardiovascular phenotype. Last evaluated: 2025-12-07. Review status: criteria provided, single submitter. Criteria: Ambry Variant Classification Scheme 2023. Collection method: clinical testing. Allele origin: germline.
Comment: The p.L518P variant (also known as c.1553T>C), located in coding exon 12 of the MYH6 gene, results from a T to C substitution at nucleotide position 1553. The leucine at codon 518 is replaced by proline, an amino acid with similar properties. This amino acid position is conserved. In addition, this alteration is predicted to be deleterious by in silico analysis. Based on the available evidence, the clinical significance of this variant remains unclear.